The following is an entry in ClinVar:

NM_015656.2(KIF26A):c.3957T>C (p.Ala1319=)

Gene: KIF26A (kinesin family member 26A; plus strand). Cytogenetic location: 14q32.33.
Variant type: single nucleotide variant.
Coding change: c.3957T>C on transcript NM_015656.2 (MANE Select); coding-DNA position 3957, T replaced by C.
Protein change: p.Ala1319=; no amino-acid change (alanine 1319 retained).
Molecular consequence: synonymous variant.
Genome position (GRCh38, 1-based): chr14:104,176,745, T>C. VCF-style: chr14-104176745-T-C. GRCh37 (hg19) VCF-style: chr14-104643082-T-C.
Identifiers: ClinVar variation 3026302 (VCV003026302.22), dbSNP rs755284987, ClinGen allele CA7371148.

ClinVar aggregate classification (germline): Likely benign (1 of 4 stars; one submission).

Allele frequency attached by ClinVar (database versions not stated): gnomAD 0.00004; TOPMed 0.00004; ExAC 0.00005; gnomAD exomes 0.00005.
gnomAD v4.1: 85 of 1,587,366 alleles (0.0054%); highest among the groups gnomAD compares: Non-Finnish European, 0.0064%; no homozygotes.

Submission:

CeGaT Center for Human Genetics Tuebingen
Classification: Likely benign. Last evaluated: 2024-01-01. Review status: criteria provided, single submitter. Criteria: CeGaT Center For Human Genetics Tuebingen Variant Classification Criteria Version 2. Collection method: clinical testing. Allele origin: germline. Affected: yes. Observed: 1 variant allele.
Comment: KIF26A: BP4, BP7